The following is an entry in ClinVar:

NM_001012339.3(DNAJC21):c.511G>A (p.Asp171Asn)

Gene: DNAJC21 (DnaJ heat shock protein family (Hsp40) member C21; plus strand). Cytogenetic location: 5p13.2.
Variant type: single nucleotide variant.
Coding change: c.511G>A on transcript NM_001012339.3 (MANE Select); coding-DNA position 511, G replaced by A.
Protein change: p.Asp171Asn; replaces aspartic acid 171 with asparagine.
Molecular consequence: missense variant.
Genome position (GRCh38, 1-based): chr5:34,937,398, G>A. VCF-style: chr5-34937398-G-A. GRCh37 (hg19) VCF-style: chr5-34937503-G-A.
Other names: c.511G>A, p.Asp171Asn (NM_001348420.2, NM_194283.4); c.511G>A (NM_194283.3); short protein forms D171N.
Identifiers: ClinVar variation 1412956 (VCV001412956.6), dbSNP rs761378848, ClinGen allele CA3228481.

ClinVar aggregate classification (germline): Uncertain significance. Review status: criteria provided, multiple submitters, no conflicts (2 of 4 stars). 2 submissions from 2 submitters: Uncertain significance (2). Last evaluated 2025-08-12.

Conditions:
Inborn genetic diseases. Identifiers: MedGen C0950123, MeSH D030342.

Allele frequency attached by ClinVar (database versions not stated): TOPMed below 0.00001; ExAC 0.00001; gnomAD 0.00001; gnomAD exomes 0.00002 and 0.00004.

Submissions (2):

Ambry Genetics
Classification: Uncertain significance for Inborn genetic diseases. Last evaluated: 2025-08-12. Review status: criteria provided, single submitter. Criteria: Ambry Variant Classification Scheme 2023. Collection method: clinical testing. Allele origin: germline.

Labcorp Genetics (formerly Invitae), Labcorp
Classification: Uncertain significance. Last evaluated: 2024-02-17. Review status: criteria provided, single submitter. Criteria: Invitae Variant Classification Sherloc (09022015). Collection method: clinical testing. Allele origin: germline.
Comment: This sequence change replaces aspartic acid, which is acidic and polar, with asparagine, which is neutral and polar, at codon 171 of the DNAJC21 protein (p.Asp171Asn). This variant is present in population databases (rs761378848, gnomAD 0.003%). This variant has not been reported in the literature in individuals affected with DNAJC21-related conditions. ClinVar contains an entry for this variant (Variation ID: 1412956). An algorithm developed to predict the effect of missense changes on protein structure and function (PolyPhen-2) suggests that this variant is likely to be disruptive. In summary, the available evidence is currently insufficient to determine the role of this variant in disease. Therefore, it has been classified as a Variant of Uncertain Significance.